The following is an entry in ClinVar:

NM_001134382.3(IQSEC1):c.783G>A (p.Arg261=)

Gene: IQSEC1 (IQ motif and Sec7 domain ArfGEF 1; minus strand). Cytogenetic location: 3p25.2.
Variant type: single nucleotide variant.
Coding change: c.783G>A on transcript NM_001134382.3 (MANE Select); coding-DNA position 783, G replaced by A.
Protein change: p.Arg261=; no amino-acid change (arginine 261 retained).
Molecular consequence: synonymous variant.
Genome position (GRCh38, 1-based): chr3:12,936,233, C>T on the plus strand (G>A on the coding strand, the complement: IQSEC1 is on the minus strand). VCF-style: chr3-12936233-C-T. GRCh37 (hg19) VCF-style: chr3-12977733-C-T.
Other names: c.459G>A, p.Arg153= (NM_001330619.3); c.1107G>A, p.Arg369= (NM_001376938.2); c.825G>A, p.Arg275= (NM_014869.8).
Identifiers: ClinVar variation 2653562 (VCV002653562.24), dbSNP rs373720578, ClinGen allele CA2262434.

ClinVar aggregate classification (germline): Likely benign (1 of 4 stars; one submission).

Allele frequency attached by ClinVar (database versions not stated): gnomAD exomes 0.00003; gnomAD 0.00004; ExAC 0.00005; TOPMed 0.00006; ESP Exome Variant Server 0.00008.
gnomAD v4.1: 51 of 1,613,036 alleles (0.0032%); highest among the groups gnomAD compares: Middle Eastern, 0.082%; no homozygotes.

Submission:

CeGaT Center for Human Genetics Tuebingen
Classification: Likely benign. Last evaluated: 2022-08-01. Review status: criteria provided, single submitter. Criteria: CeGaT Center For Human Genetics Tuebingen Variant Classification Criteria Version 2. Collection method: clinical testing. Allele origin: germline. Affected: yes. Observed: 1 variant allele.
Comment: IQSEC1: BP4, BP7